The following is an entry in ClinVar:

ClinVar aggregate classification (germline): Benign/Likely benign. Review status: criteria provided, multiple submitters, no conflicts (2 of 4 stars). 4 submissions from 4 submitters: Benign (2); Likely benign (1). 1 of the submissions does not count toward it. Last evaluated 2026-09-01.

Conditions:
IGSF10-related disorder. Also called: IGSF10-related condition.

Allele frequency attached by ClinVar (database versions not stated): ESP Exome Variant Server 0.00577; gnomAD 0.00896 and 0.00903; gnomAD exomes 0.00919 and 0.01242; 1000 Genomes Project 0.00938; ExAC 0.01014; TOPMed 0.01059; 1000 Genomes Project 30x 0.01077.
gnomAD v4.1: 14,697 of 1,614,000 alleles (0.91%); highest among the groups gnomAD compares: Admixed American, 4.6%; 144 homozygotes.

Submissions (4):

CeGaT Center for Human Genetics Tuebingen
Classification: Likely benign. Last evaluated: 2026-09-01. Review status: criteria provided, single submitter. Criteria: CeGaT Center For Human Genetics Tuebingen Variant Classification Criteria Version 2. Collection method: clinical testing. Allele origin: germline. Affected: yes. Observed: 5 variant alleles.
Comment: IGSF10: BP4, BS1

Labcorp Genetics (formerly Invitae), Labcorp
Classification: Benign. Last evaluated: 2026-01-12. Review status: criteria provided, single submitter. Criteria: Invitae Variant Classification Sherloc (09022015). Collection method: clinical testing. Allele origin: germline.

Breakthrough Genomics
Classification: Benign. Review status: criteria provided, single submitter. Criteria: ACMG Guidelines, 2015. Collection method: not provided. Allele origin: germline. Inheritance: Unknown mechanism. Affected: yes.

PreventionGenetics, part of Exact Sciences
Classification: Benign for IGSF10-related condition. Last evaluated: 2019-04-16. Review status: no assertion criteria provided. Collection method: clinical testing. Allele origin: germline. Not counted in ClinVar's aggregate classification.
Comment: This variant is classified as benign based on ACMG/AMP sequence variant interpretation guidelines (Richards et al. 2015 PMID: 25741868, with internal and published modifications).

NM_178822.5(IGSF10):c.481G>A (p.Glu161Lys)

Gene: IGSF10 (immunoglobulin superfamily member 10; minus strand). Cytogenetic location: 3q25.1.
Variant type: single nucleotide variant.
Coding change: c.481G>A on transcript NM_178822.5 (MANE Select); coding-DNA position 481, G replaced by A.
Protein change: p.Glu161Lys; replaces glutamic acid 161 with lysine.
Molecular consequence: missense variant.
Genome position (GRCh38, 1-based): chr3:151,453,618, C>T on the plus strand (G>A on the coding strand, the complement: IGSF10 is on the minus strand). VCF-style: chr3-151453618-C-T. GRCh37 (hg19) VCF-style: chr3-151171406-C-T.
Other names: c.481G>A (NM_178822.4); c.481G>A, p.Glu161Lys (NM_001385060.1, NM_001385061.1, NM_001385062.1 and 1 more transcripts); short protein forms E161K.
Identifiers: ClinVar variation 1616146 (VCV001616146.34), dbSNP rs114161831, ClinGen allele CA2670745.